The following is an entry in ClinVar:

NM_003790.3(TNFRSF25):c.72C>T (p.Ala24=)

Gene: TNFRSF25 (TNF receptor superfamily member 25; minus strand). Cytogenetic location: 1p36.31.
Variant type: single nucleotide variant.
Coding change: c.72C>T on transcript NM_003790.3 (MANE Select); coding-DNA position 72, C replaced by T.
Protein change: p.Ala24=; no amino-acid change (alanine 24 retained).
Molecular consequence: synonymous variant.
Genome position (GRCh38, 1-based): chr1:6,465,528, G>A on the plus strand (C>T on the coding strand, the complement: TNFRSF25 is on the minus strand). VCF-style: chr1-6465528-G-A. GRCh37 (hg19) VCF-style: chr1-6525588-G-A.
Other names: c.72C>T, p.Ala24= (NM_001039664.2, NM_148965.2, NM_148966.2 and 2 more transcripts).
Identifiers: ClinVar variation 3058208 (VCV003058208.2), dbSNP rs2523055075, ClinGen allele CA416021964.

ClinVar aggregate classification (germline): Likely benign (0 of 4 stars; one submission).

Conditions:
TNFRSF25-related disorder. Also called: TNFRSF25-related condition.

Allele frequency attached by ClinVar (database versions not stated): gnomAD exomes 0.00001.
gnomAD v4.1: 5 of 1,613,542 alleles (0.00031%); highest among the groups gnomAD compares: Non-Finnish European, 0.00042%; no homozygotes.

Submission:

PreventionGenetics, part of Exact Sciences
Classification: Likely benign for TNFRSF25-related condition. Last evaluated: 2019-03-12. Review status: no assertion criteria provided. Collection method: clinical testing. Allele origin: germline.
Comment: This variant is classified as likely benign based on ACMG/AMP sequence variant interpretation guidelines (Richards et al. 2015 PMID: 25741868, with internal and published modifications).